The following is an entry in ClinVar:

ClinVar aggregate classification (germline): Uncertain significance (1 of 4 stars; one submission).

Conditions:
Familial adenomatous polyposis 1 (FAP1). Also called: FAMILIAL ADENOMATOUS POLYPOSIS 1, ATTENUATED; POLYPOSIS, ADENOMATOUS INTESTINAL. Identifiers: MedGen C2713442, MONDO:0021056, OMIM 175100. Disease mechanism: loss of function.

Submission:

Labcorp Genetics (formerly Invitae), Labcorp
Classification: Uncertain significance for Familial adenomatous polyposis 1. Last evaluated: 2025-10-06. Review status: criteria provided, single submitter. Criteria: Invitae Variant Classification Sherloc (09022015). Collection method: clinical testing. Allele origin: germline.
Comment: This sequence change replaces isoleucine, which is neutral and non-polar, with valine, which is neutral and non-polar, at codon 1723 of the APC protein (p.Ile1723Val). This variant is not present in population databases (gnomAD no frequency). This variant has not been reported in the literature in individuals affected with APC-related conditions. ClinVar contains an entry for this variant (Variation ID: 661458). Invitae Evidence Modeling of protein sequence and biophysical properties (such as structural, functional, and spatial information, amino acid conservation, physicochemical variation, residue mobility, and thermodynamic stability) indicates that this missense variant is not expected to disrupt APC protein function with a negative predictive value of 95%. In summary, the available evidence is currently insufficient to determine the role of this variant in disease. Therefore, it has been classified as a Variant of Uncertain Significance.

NM_000038.6(APC):c.5167A>G (p.Ile1723Val)

Gene: APC (APC regulator of Wnt signaling pathway; plus strand). Cytogenetic location: 5q22.2.
Variant type: single nucleotide variant.
Coding change: c.5167A>G on transcript NM_000038.6 (MANE Select); coding-DNA position 5167, A replaced by G.
Protein change: p.Ile1723Val; replaces isoleucine 1723 with valine.
Molecular consequence: missense variant.
Genome position (GRCh38, 1-based): chr5:112,840,761, A>G. VCF-style: chr5-112840761-A-G. GRCh37 (hg19) VCF-style: chr5-112176458-A-G.
Other names: c.5167A>G, p.Ile1723Val (NM_001127510.3, NM_001354895.2); c.5113A>G, p.Ile1705Val (NM_001127511.3); c.5221A>G, p.Ile1741Val (NM_001354896.2); c.5197A>G, p.Ile1733Val (NM_001354897.2); c.5092A>G, p.Ile1698Val (NM_001354898.2); c.5083A>G, p.Ile1695Val (NM_001354899.2); c.5044A>G, p.Ile1682Val (NM_001354900.2); c.4990A>G, p.Ile1664Val (NM_001354901.2); and 5 more; short protein forms I1440V, I1563V, I1597V, I1632V, I1682V, I1733V, I1664V, I1705V.
Identifiers: ClinVar variation 661458 (VCV000661458.11), dbSNP rs1580656973, ClinGen allele CA16032626.